The following is an entry in ClinVar:

NM_001904.4(CTNNB1):c.283C>T (p.Arg95Ter)

Genes: CTNNB1 (catenin beta 1; plus strand), LOC126806658 (BRD4-independent group 4 enhancer GRCh37_chr3:41265899-41267098; plus strand). Cytogenetic location: 3p22.1.
Variant type: single nucleotide variant.
Coding change: c.283C>T on transcript NM_001904.4 (MANE Select); coding-DNA position 283, C replaced by T.
Protein change: p.Arg95Ter; replaces arginine 95 with a stop codon.
Molecular consequence: nonsense.
Genome position (GRCh38, 1-based): chr3:41,224,995, C>T. VCF-style: chr3-41224995-C-T. GRCh37 (hg19) VCF-style: chr3-41266486-C-T.
Other names: c.283C>T, p.Arg95Ter (NM_001098209.2, NM_001098210.2); c.262C>T, p.Arg88Ter (NM_001330729.2); short protein forms R95*, R88*.
Identifiers: ClinVar variation 265443 (VCV000265443.20), dbSNP rs775104326, ClinGen allele CA10588361.

ClinVar aggregate classification (germline): Pathogenic. Review status: criteria provided, multiple submitters, no conflicts (2 of 4 stars). 10 submissions from 10 submitters: Pathogenic (10). Last evaluated 2025-09-15.

Conditions:
CTNNB1-related disorder. Also called: CTNNB1-related condition.
Carcinoma of colon (CRC). Also called: Colonic carcinoma; Colon carcinoma. Identifiers: MedGen C0699790, MONDO:0002032.
Exudative vitreoretinopathy 7. Identifiers: MedGen C4539767, MONDO:0033123, OMIM 617572.
Hepatocellular carcinoma (HCC). Also called: Primary carcinoma of liver; HEPATOMA; LIVER CELL CARCINOMA. Identifiers: Orphanet 88673, MedGen C2239176, MONDO:0007256, OMIM 114550, HP:0001402.
Pilomatrixoma (PTR). Also called: Pilomatricoma, somatic; EPITHELIOMA CALCIFICANS OF MALHERBE; PILOMATRICOMA. Identifiers: Orphanet 91414, MedGen C0206711, MeSH D018296, MONDO:0007564, OMIM 132600, HP:0030434.
Medulloblastoma (MDB). Also called: Medulloblastoma, somatic; MEDULLOBLASTOMA PREDISPOSITION SYNDROME. Identifiers: Orphanet 616, MedGen C0025149, MeSH D008527, MONDO:0007959, OMIM 155255, HP:0002885.
Severe intellectual disability-progressive spastic diplegia syndrome (NEDSDV). Also called: NEURODEVELOPMENTAL DISORDER WITH SPASTIC DIPLEGIA AND VISUAL DEFECTS; CTNNB1 Neurodevelopmental Disorder. Identifiers: Orphanet 404473, MedGen C3554449, MONDO:0014035, OMIM 615075.
Ovarian neoplasm. Also called: Ovarian Neoplasms; Neoplasm of ovary; Ovarian tumor. Identifiers: MedGen C0919267, MeSH D010051, MONDO:0021068, HP:0100615.
Inborn genetic diseases. Identifiers: MedGen C0950123, MeSH D030342.

Submissions (10):

3billion
Classification: Pathogenic for Severe intellectual disability-progressive spastic diplegia syndrome. Last evaluated: 2025-09-15. Review status: criteria provided, single submitter. Criteria: ACMG Guidelines, 2015. Collection method: clinical testing. Allele origin: germline. Affected: yes.
Comment: The variant is not observed in the gnomAD v4.1.0 dataset. Predicted Consequence/Location: Stop-gained (nonsense): predicted to result in a loss or disruption of normal protein function through nonsense-mediated decay (NMD) or protein truncation. Multiple pathogenic variants are reported downstream of the variant. The variant has been reported at least twice as pathogenic with clinical assertions and evidence for the classification (ClinVar ID: VCV000265443 /PMID: 25326669 /3billion dataset). Therefore, this variant is classified as Pathogenic according to the recommendation of ACMG/AMP guideline.

Labcorp Genetics (formerly Invitae), Labcorp
Classification: Pathogenic. Last evaluated: 2025-04-03. Review status: criteria provided, single submitter. Criteria: Invitae Variant Classification Sherloc (09022015). Collection method: clinical testing. Allele origin: germline.
Comment: This sequence change creates a premature translational stop signal (p.Arg95*) in the CTNNB1 gene. It is expected to result in an absent or disrupted protein product. Loss-of-function variants in CTNNB1 are known to be pathogenic (PMID: 23033978, 24614104, 25326669, 26350204, 28575650). This variant is not present in population databases (gnomAD no frequency). This premature translational stop signal has been observed in individual(s) with clinical features of intellectual disability syndrome (PMID: 25326669, 27959697). ClinVar contains an entry for this variant (Variation ID: 265443). For these reasons, this variant has been classified as Pathogenic.

Blueprint Genetics
Classification: Pathogenic for CTNNB1-related disorders. Last evaluated: 2024-06-20. Review status: criteria provided, single submitter. Criteria: ACMG Guidelines, 2015. Collection method: clinical testing. Allele origin: germline. Affected: yes. Observed: 3 variant alleles.

PreventionGenetics, part of Exact Sciences
Classification: Pathogenic for CTNNB1-related condition. Last evaluated: 2022-08-31. Review status: criteria provided, single submitter. Criteria: ACMG Guidelines, 2015. Collection method: clinical testing. Allele origin: germline.
Comment: The CTNNB1 c.283C>T variant is predicted to result in premature protein termination (p.Arg95*). This variant has been reported in patients with CTNNB1 related neurodevelopmental disorder (Kuechler et al. 2015. PubMed ID: 25326669; Posey et al. 2016. PubMed ID: 27959697). This variant has not been reported in a large population database, indicating this variant is rare. Nonsense variants in CTNNB1 are expected to be pathogenic. This variant is interpreted as pathogenic.

GeneDx
Classification: Pathogenic. Last evaluated: 2022-01-04. Review status: criteria provided, single submitter. Criteria: GeneDx Variant Classification Process June 2021. Collection method: clinical testing. Allele origin: germline. Affected: yes.
Comment: Nonsense variant predicted to result in protein truncation or nonsense mediated decay in a gene for which loss-of-function is a known mechanism of disease; Not observed in large population cohorts (gnomAD); This variant is associated with the following publications: (PMID: 29575536, 27915094, 27959697, 28191889, 33004838, 25326669)

Institute of Medical Genetics and Applied Genomics, University Hospital Tübingen
Classification: Pathogenic. Last evaluated: 2020-10-23. Review status: criteria provided, single submitter. Criteria: ACMG Guidelines, 2015. Collection method: clinical testing. Allele origin: germline. Inheritance: Unknown mechanism. Affected: yes.

Fulgent Genetics
Classification: Pathogenic for Colorectal cancer; Hepatocellular carcinoma; Pilomatrixoma; Medulloblastoma; Ovarian cancer; Severe intellectual disability-progressive spastic diplegia syndrome; Exudative vitreoretinopathy 7. Last evaluated: 2018-10-31. Review status: criteria provided, single submitter. Criteria: ACMG Guidelines, 2015. Collection method: clinical testing. Allele origin: unknown.

Ambry Genetics
Classification: Pathogenic for Inborn genetic diseases. Last evaluated: 2017-11-06. Review status: criteria provided, single submitter. Criteria: Ambry exome assertion method (8-5-2015). Collection method: clinical testing. Allele origin: germline. Affected: yes. Observed: 1 variant allele.

Baylor Genetics
Classification: Pathogenic for Severe intellectual disability-progressive spastic diplegia syndrome. Last evaluated: 2017-09-01. Review status: criteria provided, single submitter. Criteria: ACMG Guidelines, 2015. Collection method: clinical testing. Allele origin: de novo. Inheritance: Autosomal dominant inheritance. Affected: yes.
Comment: This nonsense mutation is categorized as deleterious according to ACMG guidelines (PMID:18414213).

Kasturba Medical College, Manipal, Kasturba Medical College, Manipal, Manipal Academy of Higher Education, Manipal, India
Classification: Pathogenic for Severe intellectual disability-progressive spastic diplegia syndrome. Review status: criteria provided, single submitter. Criteria: ACMG Guidelines, 2015. Collection method: research. Allele origin: maternal. Inheritance: Autosomal dominant inheritance. Affected: yes.
Comment: The father’s sample was not available for testing. This variant is absent in homozygous and/or heterozygous state in the population database gnomAD (v4.1.0) and our in-house database of 3,650 exomes. The variant is classified as pathogenic in multiple independent entries in the ClinVar database (ClinVar ID: VCV000265443.15). It is predicted to introduce a premature termination codon in the transcript, which may likely lead to nonsense-mediated mRNA decay or the production of a truncated CTNNB1 protein.

Literature cited by the submitters: PubMed 25326669 (cited by 4 submitters); PubMed 23033978 (cited by Labcorp Genetics (formerly Invitae), Labcorp); PubMed 24614104 (cited by Labcorp Genetics (formerly Invitae), Labcorp); PubMed 26350204 (cited by Labcorp Genetics (formerly Invitae), Labcorp); PubMed 28575650 (cited by Labcorp Genetics (formerly Invitae), Labcorp); PubMed 27959697 (cited by Labcorp Genetics (formerly Invitae), Labcorp and Ambry Genetics); PubMed 25326635 (cited by Baylor Genetics).